The following is an entry in ClinVar:

NM_001206927.2(DNAH8):c.7366T>G (p.Cys2456Gly)

Gene: DNAH8 (dynein axonemal heavy chain 8; plus strand). Cytogenetic location: 6p21.2.
Variant type: single nucleotide variant.
Coding change: c.7366T>G on transcript NM_001206927.2 (MANE Select); coding-DNA position 7366, T replaced by G.
Protein change: p.Cys2456Gly; replaces cysteine 2456 with glycine.
Molecular consequence: missense variant.
Genome position (GRCh38, 1-based): chr6:38,873,034, T>G. VCF-style: chr6-38873034-T-G. GRCh37 (hg19) VCF-style: chr6-38840810-T-G.
Other names: c.6715T>G, p.Cys2239Gly (NM_001371.4); c.7366T>G (NM_001206927.1); short protein forms C2456G, C2239G.
Identifiers: ClinVar variation 1404315 (VCV001404315.9), dbSNP rs144169004, ClinGen allele CA3789905.

ClinVar aggregate classification (germline): Uncertain significance. Review status: criteria provided, multiple submitters, no conflicts (2 of 4 stars). 2 submissions from 2 submitters: Uncertain significance (2). Last evaluated 2022-10-17.

Conditions:
Primary ciliary dyskinesia. Also called: Ciliary dyskinesia. Identifiers: Orphanet 244, MedGen C0008780, MONDO:0016575, HP:0012265.

Allele frequency attached by ClinVar (database versions not stated): ExAC 0.00001; gnomAD exomes 0.00001; TOPMed 0.00006; ESP Exome Variant Server 0.00008; gnomAD 0.00008 and 0.00009.
gnomAD v4.1: 15 of 1,614,016 alleles (0.00093%); highest among the groups gnomAD compares: African/African-American, 0.02%; no homozygotes.

Submissions (2):

Labcorp Genetics (formerly Invitae), Labcorp
Classification: Uncertain significance for Primary ciliary dyskinesia. Last evaluated: 2022-10-17. Review status: criteria provided, single submitter. Criteria: Invitae Variant Classification Sherloc (09022015). Collection method: clinical testing. Allele origin: germline.
Comment: Advanced modeling of protein sequence and biophysical properties (such as structural, functional, and spatial information, amino acid conservation, physicochemical variation, residue mobility, and thermodynamic stability) has been performed at Invitae for this missense variant, however the output from this modeling did not meet the statistical confidence thresholds required to predict the impact of this variant on DNAH8 protein function. Algorithms developed to predict the effect of sequence changes on RNA splicing suggest that this variant may create or strengthen a splice site. In summary, the available evidence is currently insufficient to determine the role of this variant in disease. Therefore, it has been classified as a Variant of Uncertain Significance. ClinVar contains an entry for this variant (Variation ID: 1404315). This sequence change replaces cysteine, which is neutral and slightly polar, with glycine, which is neutral and non-polar, at codon 2456 of the DNAH8 protein (p.Cys2456Gly). This variant is present in population databases (rs144169004, gnomAD 0.04%). This variant has not been reported in the literature in individuals affected with DNAH8-related conditions.

Ambry Genetics
Classification: Uncertain significance. Last evaluated: 2021-07-26. Review status: criteria provided, single submitter. Criteria: Ambry Variant Classification Scheme 2023. Collection method: clinical testing. Allele origin: germline.